The following is an entry in ClinVar:

NM_015335.5(MED13L):c.401dup (p.Met135fs)

Gene: MED13L (mediator complex subunit 13L; minus strand). Cytogenetic location: 12q24.21.
Variant type: Duplication.
Coding change: c.401dup on transcript NM_015335.5 (MANE Select); coding-DNA position 401, one base duplicated (T; older notation c.401dupT).
Protein change: p.Met135fs; shifts the reading frame from methionine 135.
Molecular consequence: frameshift variant.
Genome position (GRCh38, 1-based): chr12:116,096,747, A duplicated on the plus strand (T on the coding strand, the reverse complement: MED13L is on the minus strand). VCF-style (leftmost placement, unchanged base first): chr12-116096746-T-TA. GRCh37 (hg19) VCF-style: chr12-116534551-T-TA.
Other names: short protein forms M135fs.
Identifiers: ClinVar variation 817901 (VCV000817901.1), dbSNP rs1593039493, ClinGen allele CA915946712.
Genomic context (GRCh38, chr12:116,096,746, plus strand): 5'-TTCATCCTTTTCGTAGGGTCGGACAAACCATTTCCCAATCCTAACGAAGTTCTTATCCAT[T>TA]AGGCACCTAAAATAATTACATCAAGAATTACTTTTATAGTATCAGTAACAAATTAGTAAG-3'

ClinVar aggregate classification (germline): Pathogenic (1 of 4 stars; one submission).

Submission:

GeneDx
Classification: Pathogenic. Last evaluated: 2018-11-14. Review status: criteria provided, single submitter. Criteria: GeneDx Variant Classification (06012015). Collection method: clinical testing. Allele origin: germline. Affected: yes.
Comment: The c.401dupT variant in the MED13L gene has not been reported previously as a pathogenic variant nor as a benign variant, to our knowledge. The c.401dupT variant causes a frameshift starting with codon Methionine 135, changes this amino acid to an Asparagine residue, and creates a premature Stop codon at position 3 of the new reading frame, denoted p.Met135AsnfsX3. This variant is predicted to cause loss of normal protein function either through protein truncation or nonsense-mediated mRNA decay. The c.401dupT variant is not observed in large population cohorts (Lek et al., 2016). We interpret c.401dupT as a pathogenic variant.